The following is an entry in ClinVar:

NM_053025.4(MYLK):c.4224C>T (p.Asn1408=)

Gene: MYLK (myosin light chain kinase; minus strand). Cytogenetic location: 3q21.1.
Variant type: single nucleotide variant.
Coding change: c.4224C>T on transcript NM_053025.4 (MANE Select); coding-DNA position 4224, C replaced by T.
Protein change: p.Asn1408=; no amino-acid change (asparagine 1408 retained).
Molecular consequence: synonymous variant.
Genome position (GRCh38, 1-based): chr3:123,657,190, G>A on the plus strand (C>T on the coding strand, the complement: MYLK is on the minus strand). VCF-style: chr3-123657190-G-A. GRCh37 (hg19) VCF-style: chr3-123376037-G-A.
Other names: c.3696C>T, p.Asn1232= (NM_001321309.2); c.4017C>T, p.Asn1339= (NM_053026.4, NM_053028.4); c.4224C>T, p.Asn1408= (NM_053027.4).
Identifiers: ClinVar variation 1089701 (VCV001089701.16), dbSNP rs149002594, ClinGen allele CA071105.

ClinVar aggregate classification (germline): Likely benign. Review status: criteria provided, multiple submitters, no conflicts (2 of 4 stars). 6 submissions from 6 submitters: Likely benign (5). 1 of the submissions does not count toward it. Last evaluated 2025-12-30.

Conditions:
Aortic aneurysm, familial thoracic 7 (AAT7). Also called: AORTIC DISSECTION, FAMILIAL, WITH OR WITHOUT AORTIC ANEURYSM. Identifiers: MedGen C3151077, MONDO:0013418, OMIM 613780.
Megacystis-microcolon-intestinal hypoperistalsis syndrome 1. Identifiers: MedGen C5542316, MONDO:0100354, OMIM 249210.
MYLK-related disorder. Also called: MYLK-related condition.
Familial thoracic aortic aneurysm and aortic dissection (TAAD). Also called: Thoracic aortic aneurysms and dissections. Identifiers: Orphanet 91387, MedGen C4707243, MONDO:0019625.

Allele frequency attached by ClinVar (database versions not stated): ExAC 0.00002; gnomAD exomes 0.00002; gnomAD 0.00003; TOPMed 0.00003; ESP Exome Variant Server 0.00008.
gnomAD v4.1: 33 of 1,614,022 alleles (0.002%); highest among the groups gnomAD compares: Middle Eastern, 0.033%; no homozygotes.

Submissions (6):

Labcorp Genetics (formerly Invitae), Labcorp
Classification: Likely benign for Aortic aneurysm, familial thoracic 7. Last evaluated: 2025-12-30. Review status: criteria provided, single submitter. Criteria: Invitae Variant Classification Sherloc (09022015). Collection method: clinical testing. Allele origin: germline.

Women's Health and Genetics/Laboratory Corporation of America, LabCorp
Classification: Likely benign. Last evaluated: 2023-08-10. Review status: criteria provided, single submitter. Criteria: LabCorp Variant Classification Summary - May 2015. Collection method: clinical testing. Allele origin: germline.

Ambry Genetics
Classification: Likely benign for Familial thoracic aortic aneurysm and aortic dissection. Last evaluated: 2022-03-09. Review status: criteria provided, single submitter. Criteria: Ambry Variant Classification Scheme 2023. Collection method: clinical testing. Allele origin: germline.

Fulgent Genetics
Classification: Likely benign for Megacystis-microcolon-intestinal hypoperistalsis syndrome 1; Aortic aneurysm, familial thoracic 7. Last evaluated: 2021-11-15. Review status: criteria provided, single submitter. Criteria: ACMG Guidelines, 2015. Collection method: clinical testing. Allele origin: unknown.

GeneDx
Classification: Likely benign. Last evaluated: 2020-12-04. Review status: criteria provided, single submitter. Criteria: GeneDx Variant Classification Process June 2021. Collection method: clinical testing. Allele origin: germline. Affected: yes.

PreventionGenetics, part of Exact Sciences
Classification: Likely benign for MYLK-related condition. Last evaluated: 2021-04-01. Review status: no assertion criteria provided. Collection method: clinical testing. Allele origin: germline. Not counted in ClinVar's aggregate classification.
Comment: This variant is classified as likely benign based on ACMG/AMP sequence variant interpretation guidelines (Richards et al. 2015 PMID: 25741868, with internal and published modifications).